The following is an entry in ClinVar:

ClinVar aggregate classification (germline): Uncertain significance (1 of 4 stars; one submission).

Conditions:
SLC26A4-related disorder. Also called: SLC26A4-related disorders; SLC26A4-related condition.

Submission:

PreventionGenetics, part of Exact Sciences
Classification: Uncertain significance for SLC26A4-related condition. Last evaluated: 2025-01-21. Review status: criteria provided, single submitter. Criteria: ACMG Guidelines, 2015. Collection method: clinical testing. Allele origin: germline.
Comment: The SLC26A4 c.-501300G>A variant is located in the 5' untranslated region. To our knowledge, this variant has not been reported in the literature or in a large population database (gnomAD), indicating this variant is rare. At this time, the clinical significance of this variant is uncertain due to the absence of conclusive functional and genetic evidence.

NC_000007.14:g.107159559G>A

Genes: PRKAR2B (protein kinase cAMP-dependent type II regulatory subunit beta; plus strand), SLC26A4 (solute carrier family 26 member 4; plus strand). Cytogenetic location: 7q22.3.
Variant type: single nucleotide variant.
Molecular consequence: missense variant (on NM_002736.3).
Genome position: GRCh38 VCF-style: chr7-107159559-G-A. GRCh37 (hg19) VCF-style: chr7-106800004-G-A.
Other names: c.1234G>A, p.Asp412Asn (NM_002736.3); short protein forms D412N.
Identifiers: ClinVar variation 4996988 (VCV004996988.1).